The following is an entry in ClinVar:

NM_001613.4(ACTA2):c.226G>A (p.Gly76Ser)

Gene: ACTA2 (actin alpha 2, smooth muscle; minus strand). Cytogenetic location: 10q23.31.
Variant type: single nucleotide variant.
Coding change: c.226G>A on transcript NM_001613.4 (MANE Select); coding-DNA position 226, G replaced by A.
Protein change: p.Gly76Ser; replaces glycine 76 with serine.
Molecular consequence: missense variant.
Genome position (GRCh38, 1-based): chr10:88,947,290, C>T on the plus strand (G>A on the coding strand, the complement: ACTA2 is on the minus strand). VCF-style: chr10-88947290-C-T. GRCh37 (hg19) VCF-style: chr10-90707047-C-T.
Other names: c.226G>A, p.Gly76Ser (NM_001141945.3, NM_001320855.2, NM_001406462.1 and 4 more transcripts); short protein forms G76S.
Identifiers: ClinVar variation 417997 (VCV000417997.5), dbSNP rs1064793016, ClinGen allele CA16619078.

ClinVar aggregate classification (germline): Uncertain significance (1 of 4 stars; one submission).

Submission:

GeneDx
Classification: Uncertain significance. Last evaluated: 2023-04-20. Review status: criteria provided, single submitter. Criteria: GeneDx Variant Classification Process June 2021. Collection method: clinical testing. Allele origin: germline. Affected: yes.
Comment: Has not been previously published as pathogenic or benign to our knowledge; Not observed at significant frequency in large population cohorts (gnomAD); In silico analysis supports that this missense variant has a deleterious effect on protein structure/function